The following is an entry in ClinVar:

NM_001018100.5(MYZAP):c.229C>T (p.Arg77Ter)

Genes: GCOM1 (GCOM1, MYZAP-POLR2M combined locus; plus strand), MYZAP (myocardial zonula adherens protein; plus strand). Cytogenetic location: 15q21.3.
Variant type: single nucleotide variant.
Coding change: c.229C>T on transcript NM_001018100.5 (MANE Select); coding-DNA position 229, C replaced by T.
Protein change: p.Arg77Ter; replaces arginine 77 with a stop codon.
Molecular consequence: nonsense. On other transcripts: non-coding transcript variant (5).
Genome position (GRCh38, 1-based): chr15:57,618,099, C>T. VCF-style: chr15-57618099-C-T. GRCh37 (hg19) VCF-style: chr15-57910297-C-T.
Other names: c.229C>T, p.Arg77Ter (NM_152451.8, NM_001018090.6, NM_001018091.6 and 1 more transcripts); short protein forms R77*.
Identifiers: ClinVar variation 5003006 (VCV005003006.1).

ClinVar aggregate classification (germline): Uncertain significance (1 of 4 stars; one submission).

gnomAD v4.1: 8 of 1,613,990 alleles (0.0005%); highest among the groups gnomAD compares: Middle Eastern, 0.016%; no homozygotes.

Submission:

OLLIN Analises Genomicas, OLLIN
Classification: Uncertain significance. Last evaluated: 2026-08-06. Review status: criteria provided, single submitter. Criteria: ACMG Guidelines 2015 PMID 25741868. Collection method: clinical testing. Allele origin: germline.
Comment: This nonsense variant, located in exon 3 (of 13), has been observed in gnomAD with an allele frequency of 0.0005%, but has not been reported in ClinVar or identified in the literature. This variant introduces a premature stop codon, which is predicted to result in either a truncated protein or degradation of the mRNA via nonsense-mediated decay (NMD). According to the currently available evidence, this variant has been classified as uncertain significance (PVS1_S, PM2_P).